The following is an entry in ClinVar:

ClinVar aggregate classification (germline): Uncertain significance. Review status: criteria provided, multiple submitters, no conflicts (2 of 4 stars). 2 submissions from 2 submitters: Uncertain significance (2). Last evaluated 2024-08-08.

Conditions:
Tuberous sclerosis 1 (TSC1). Identifiers: Orphanet 805, MedGen C1854465, MONDO:0008612, OMIM 191100.
Hereditary cancer-predisposing syndrome. Also called: Tumor predisposition; Neoplastic Syndromes, Hereditary; Hereditary Cancer Syndrome; Hereditary neoplastic syndrome. Identifiers: Orphanet 140162, MedGen C0027672, MeSH D009386, MONDO:0015356.

gnomAD v4.1: 1 of 1,613,658 alleles (0.000062%); highest among the groups gnomAD compares: Non-Finnish European, 0.000085%; no homozygotes.

Submissions (2):

Labcorp Genetics (formerly Invitae), Labcorp
Classification: Uncertain significance for Tuberous sclerosis 1. Last evaluated: 2024-08-08. Review status: criteria provided, single submitter. Criteria: Invitae Variant Classification Sherloc (09022015). Collection method: clinical testing. Allele origin: germline.
Comment: This sequence change replaces lysine, which is basic and polar, with isoleucine, which is neutral and non-polar, at codon 477 of the TSC1 protein (p.Lys477Ile). This variant is not present in population databases (gnomAD no frequency). This variant has not been reported in the literature in individuals affected with TSC1-related conditions. ClinVar contains an entry for this variant (Variation ID: 1772488). Advanced modeling of protein sequence and biophysical properties (such as structural, functional, and spatial information, amino acid conservation, physicochemical variation, residue mobility, and thermodynamic stability) performed at Invitae indicates that this missense variant is not expected to disrupt TSC1 protein function with a negative predictive value of 95%. In summary, the available evidence is currently insufficient to determine the role of this variant in disease. Therefore, it has been classified as a Variant of Uncertain Significance.

Ambry Genetics
Classification: Uncertain significance for Hereditary cancer-predisposing syndrome. Last evaluated: 2022-10-22. Review status: criteria provided, single submitter. Criteria: Ambry Variant Classification Scheme 2023. Collection method: clinical testing. Allele origin: germline.
Comment: The p.K477I variant (also known as c.1430A>T), located in coding exon 12 of the TSC1 gene, results from an A to T substitution at nucleotide position 1430. The lysine at codon 477 is replaced by isoleucine, an amino acid with dissimilar properties. This amino acid position is conserved. In addition, the in silico prediction for this alteration is inconclusive. Since supporting evidence is limited at this time, the clinical significance of this alteration remains unclear.

NM_000368.5(TSC1):c.1430A>T (p.Lys477Ile)

Gene: TSC1 (TSC complex subunit 1; minus strand). Cytogenetic location: 9q34.13.
Variant type: single nucleotide variant.
Coding change: c.1430A>T on transcript NM_000368.5 (MANE Select); coding-DNA position 1430, A replaced by T.
Protein change: p.Lys477Ile; replaces lysine 477 with isoleucine.
Molecular consequence: missense variant.
Genome position (GRCh38, 1-based): chr9:132,906,739, T>A on the plus strand (A>T on the coding strand, the complement: TSC1 is on the minus strand). VCF-style: chr9-132906739-T-A. GRCh37 (hg19) VCF-style: chr9-135782126-T-A.
Other names: c.1067A>T, p.Lys356Ile (NM_001406614.1, NM_001406615.1, NM_001406616.1 and 5 more transcripts); c.1064A>T, p.Lys355Ile (NM_001406620.1, NM_001406621.1, NM_001406622.1 and 2 more transcripts); c.1427A>T, p.Lys476Ile (NM_001162426.2, NM_001406597.1, NM_001406598.1 and 6 more transcripts); c.1277A>T, p.Lys426Ile (NM_001162427.2, NM_001406610.1); c.1430A>T, p.Lys477Ile (NM_001406592.1, NM_001406593.1, NM_001406594.1 and 7 more transcripts); c.1274A>T, p.Lys425Ile (NM_001406611.1, NM_001406612.1, NM_001406613.1); c.479A>T, p.Lys160Ile (NM_001406626.1); c.476A>T, p.Lys159Ile (NM_001406627.1, NM_001406628.1); and 1 more; short protein forms K160I, K356I, K477I, K126I, K426I, K355I, K476I, K159I.
Identifiers: ClinVar variation 1772488 (VCV001772488.4), dbSNP rs1554816213, ClinGen allele CA375365776.